The following is an entry in ClinVar:

ClinVar aggregate classification (germline): Uncertain significance (1 of 4 stars; one submission).

Allele frequency attached by ClinVar (database versions not stated): TOPMed 0.00001.

Submission:

GeneDx
Classification: Uncertain significance. Last evaluated: 2019-03-27. Review status: criteria provided, single submitter. Criteria: GeneDx Variant Classification Process June 2021. Collection method: clinical testing. Allele origin: germline. Affected: yes.
Comment: Not observed in large population cohorts (Lek et al., 2016); In-frame deletion of one amino acid in a non-repeat region; In silico analysis, which includes protein predictors and evolutionary conservation, supports a deleterious effect; Has not been previously published as pathogenic or benign to our knowledge

NM_001122764.3(PPOX):c.1018_1020del (p.Asp340del)

Gene: PPOX (protoporphyrinogen oxidase; plus strand). Cytogenetic location: 1q23.3.
Variant type: Deletion.
Coding change: c.1018_1020del on transcript NM_001122764.3 (MANE Select); coding-DNA positions 1018 to 1020, 3 bases deleted (GAT; older notation c.1018_1020delGAT).
Protein change: p.Asp340del; deletes aspartic acid 340.
Molecular consequence: inframe deletion. On other transcripts: intron variant (1).
Genome position (GRCh38, 1-based): chr1:161,170,439-161,170,441, GAT deleted. VCF-style (leftmost placement, unchanged base first): chr1-161170438-AGAT-A. GRCh37 (hg19) VCF-style: chr1-161140228-AGAT-A.
Other names: c.1018_1020del, p.Asp340del (NM_000309.5, NM_001365398.1); c.919_921del, p.Asp307del (NM_001350128.2); c.610_612del, p.Asp204del (NM_001350129.2, NM_001365400.1); c.532_534del, p.Asp178del (NM_001350130.2, NM_001350131.2, NM_001365401.1); c.988-181_988-179del (NM_001365399.1); short protein forms D178del, D204del, D307del, D340del.
Identifiers: ClinVar variation 1304618 (VCV001304618.2), dbSNP rs1660909131, ClinGen allele CA1202630981.